The following is an entry in ClinVar:

ClinVar aggregate classification (germline): Uncertain significance. Review status: criteria provided, multiple submitters, no conflicts (2 of 4 stars). 2 submissions from 2 submitters: Uncertain significance (2). Last evaluated 2025-05-04.

Conditions:
Hereditary cancer-predisposing syndrome. Also called: Neoplastic Syndromes, Hereditary; Hereditary neoplastic syndrome; Tumor predisposition; Hereditary Cancer Syndrome. Identifiers: Orphanet 140162, MedGen C0027672, MeSH D009386, MONDO:0015356.
Multiple endocrine neoplasia, type 2 (MEN2). Identifiers: Orphanet 653, MedGen C4048306, MONDO:0019003. Disease mechanism: gain of function.

Submissions (2):

Labcorp Genetics (formerly Invitae), Labcorp
Classification: Uncertain significance for Multiple endocrine neoplasia, type 2. Last evaluated: 2025-05-04. Review status: criteria provided, single submitter. Criteria: Invitae Variant Classification Sherloc (09022015). Collection method: clinical testing. Allele origin: germline.
Comment: This sequence change replaces glutamine, which is neutral and polar, with glutamic acid, which is acidic and polar, at codon 860 of the RET protein (p.Gln860Glu). This variant is not present in population databases (gnomAD no frequency). This variant has not been reported in the literature in individuals affected with RET-related conditions. ClinVar contains an entry for this variant (Variation ID: 2887483). An algorithm developed to predict the effect of missense changes on protein structure and function (PolyPhen-2) suggests that this variant is likely to be tolerated. In summary, the available evidence is currently insufficient to determine the role of this variant in disease. Therefore, it has been classified as a Variant of Uncertain Significance.

Ambry Genetics
Classification: Uncertain significance for Hereditary cancer-predisposing syndrome. Last evaluated: 2025-01-06. Review status: criteria provided, single submitter. Criteria: Ambry Variant Classification Scheme 2023. Collection method: clinical testing. Allele origin: germline.
Comment: The p.Q860E variant (also known as c.2578C>G), located in coding exon 14 of the RET gene, results from a C to G substitution at nucleotide position 2578. The glutamine at codon 860 is replaced by glutamic acid, an amino acid with highly similar properties. This amino acid position is conserved. In addition, this alteration is predicted to be tolerated by in silico analysis. Based on the available evidence, the clinical significance of this variant remains unclear.

NM_020975.6(RET):c.2578C>G (p.Gln860Glu)

Gene: RET (ret proto-oncogene; plus strand). Cytogenetic location: 10q11.21.
Variant type: single nucleotide variant.
Coding change: c.2578C>G on transcript NM_020975.6 (MANE Select); coding-DNA position 2578, C replaced by G.
Protein change: p.Gln860Glu; replaces glutamine 860 with glutamic acid.
Molecular consequence: missense variant.
Genome position (GRCh38, 1-based): chr10:43,119,716, C>G. VCF-style: chr10-43119716-C-G. GRCh37 (hg19) VCF-style: chr10-43615164-C-G.
Other names: c.2578C>G, p.Gln860Glu (NM_000323.2, NM_001406743.1, NM_001406744.1 and 4 more transcripts); c.1816C>G, p.Gln606Glu (NM_001355216.2); c.2449C>G, p.Gln817Glu (NM_001406761.1, NM_001406762.1, NM_001406764.1); c.2443C>G, p.Gln815Glu (NM_001406763.1, NM_001406765.1); c.2290C>G, p.Gln764Glu (NM_001406766.1, NM_001406767.1, NM_001406770.1); c.2314C>G, p.Gln772Glu (NM_001406768.1); c.2182C>G, p.Gln728Glu (NM_001406769.1, NM_001406772.1); c.2140C>G, p.Gln714Glu (NM_001406771.1, NM_001406773.1); and 10 more; short protein forms Q465E, Q521E, Q561E, Q606E, Q685E, Q728E, Q764E, Q772E.
Identifiers: ClinVar variation 2887483 (VCV002887483.4), dbSNP rs2132950615, ClinGen allele CA376556703.
Genomic context (GRCh38, chr10:43,119,716, plus strand): 5'-CACCCGGATGAGCGGGCCCTCACCATGGGCGACCTCATCTCATTTGCCTGGCAGATCTCA[C>G]AGGGGATGCAGTATCTGGCCGAGATGAAGGTGCGTGCATATGGCTCTGCACCCAGCCAGC-3'
Protein context (NP_066124.1, residues 850-870): DLISFAWQIS[Gln860Glu]GMQYLAEMKL